The following is an entry in ClinVar:

NM_206933.4(USH2A):c.2846_2849del (p.Leu949fs)

Genes: USH2A (usherin; minus strand), USH2A-AS1 (USH2A antisense RNA 1; plus strand). Cytogenetic location: 1q41.
Variant type: Microsatellite.
Coding change: c.2846_2849del on transcript NM_206933.4 (MANE Select); coding-DNA positions 2846 to 2849, 4 bases deleted (TGCC; older notation c.2846_2849delTGCC).
Protein change: p.Leu949fs; shifts the reading frame from leucine 949.
Molecular consequence: frameshift variant.
Genome position (GRCh38, 1-based): chr1:216,232,097-216,232,100, GGCA deleted on the plus strand (TGCC on the coding strand, the reverse complement: USH2A is on the minus strand); deleting any 4 consecutive bases within chr1:216,232,097-216,232,105 gives the same sequence; the c. name uses the placement nearest the transcript's 3' end. VCF-style (leftmost placement, unchanged base first): chr1-216232096-TGGCA-T. GRCh37 (hg19) VCF-style: chr1-216405438-TGGCA-T.
Other names: c.2846_2849del, p.Leu949fs (NM_007123.6); short protein forms L949fs.
Identifiers: ClinVar variation 1724250 (VCV001724250.2), dbSNP rs2528126907, ClinGen allele CA2580611707.

ClinVar aggregate classification (germline): Likely pathogenic (1 of 4 stars; one submission).

Conditions:
Usher syndrome type 2A. Also called: RETINAL DISEASE IN USHER SYNDROME TYPE IIA, MODIFIER OF; USHER SYNDROME, TYPE IIA. Identifiers: Orphanet 231178, Orphanet 886, MedGen C1848634, MONDO:0010169, OMIM 276901.

Submission:

Myriad Genetics, Inc.
Classification: Likely pathogenic for Usher syndrome type 2A. Last evaluated: 2022-02-02. Review status: criteria provided, single submitter. Criteria: Myriad Women's Health Autosomal Recessive and X-Linked Classification Criteria (2021). Collection method: clinical testing. Allele origin: unknown.
Comment: NM_206933.2(USH2A):c.2846_2849delTGCC(L949Hfs*17) is expected to be pathogenic in the context of USH2A-related disorders. This variant is predicted to lead to an abnormal or absent protein product due to the creation of a premature termination codon in USH2A, a gene where loss-of-function variants are known to be pathogenic. Please note: this variant was assessed in the context of healthy population screening.